The following is an entry in ClinVar:

NM_197968.4(ZMYM2):c.1026_1027del (p.Gln342fs)

Gene: ZMYM2 (zinc finger MYM-type containing 2; plus strand). Cytogenetic location: 13q12.11.
Variant type: Deletion.
Coding change: c.1026_1027del on transcript NM_197968.4 (MANE Select); coding-DNA positions 1026 to 1027, 2 bases deleted (GA; older notation c.1026_1027delGA).
Protein change: p.Gln342fs; shifts the reading frame from glutamine 342.
Molecular consequence: frameshift variant. On other transcripts: non-coding transcript variant (1).
Genome position (GRCh38, 1-based): chr13:20,003,028-20,003,029, GA deleted; deleting any 2 consecutive bases within chr13:20,003,027-20,003,029 gives the same sequence; the c. name uses the placement nearest the transcript's 3' end. VCF-style (leftmost placement, unchanged base first): chr13-20003026-CAG-C. GRCh37 (hg19) VCF-style: chr13-20577166-CAG-C.
Other names: c.1026_1027del, p.Gln342fs (NM_001190964.4, NM_001190965.4, NM_001353157.2 and 5 more transcripts); c.831_832del, p.Gln277fs (NM_001353161.3); c.765_766del, p.Gln255fs (NM_001353163.2); short protein forms Q255fs, Q342fs, Q277fs.
Identifiers: ClinVar variation 2226845 (VCV002226845.2), dbSNP rs2502238228, ClinGen allele CA2580086780.

ClinVar aggregate classification (germline): Pathogenic (1 of 4 stars; one submission).

Conditions:
Inborn genetic diseases. Identifiers: MedGen C0950123, MeSH D030342.

Submission:

Ambry Genetics
Classification: Pathogenic for Inborn genetic diseases. Last evaluated: 2021-09-15. Review status: criteria provided, single submitter. Criteria: Ambry Variant Classification Scheme 2023. Collection method: clinical testing. Allele origin: germline.
Comment: The c.1026_1027delGA (p.Q342Hfs*35) alteration, located in exon 5 (coding exon 2) of the ZMYM2 gene, consists of a deletion of 2 nucleotides from position 1026 to 1027, causing a translational frameshift with a predicted alternate stop codon after 35 amino acids. This alteration is expected to result in loss of function by premature protein truncation or nonsense-mediated mRNA decay. This variant was not reported in population-based cohorts in the Genome Aggregation Database (gnomAD). Based on the available evidence, this alteration is classified as pathogenic.